The following is an entry in ClinVar:

ClinVar aggregate classification (germline): Pathogenic. Review status: criteria provided, multiple submitters, no conflicts (2 of 4 stars). 13 submissions from 13 submitters: Pathogenic (11). 2 of the submissions do not count toward it. Last evaluated 2026-05-14.

Conditions:
Cardiovascular phenotype. Identifiers: MedGen CN230736.
Hereditary cancer-predisposing syndrome. Also called: Neoplastic Syndromes, Hereditary; Tumor predisposition; Hereditary Cancer Syndrome; Hereditary neoplastic syndrome. Identifiers: Orphanet 140162, MedGen C0027672, MeSH D009386, MONDO:0015356.
NF1-related disorder. Also called: NF1-related condition. Identifiers: MedGen CN379171.
Neurofibromatosis, type 1 (NF1). Also called: VON RECKLINGHAUSEN DISEASE; NEUROFIBROMATOSIS, TYPE I, SOMATIC; Peripheral type neurofibromatosis; Neurofibromatosis, type I. Identifiers: Orphanet 636, MedGen C0027831, MONDO:0018975, OMIM 162200. Disease mechanism: loss of function.

Submissions (13):

Women's Health and Genetics/Laboratory Corporation of America, LabCorp
Classification: Pathogenic for Neurofibromatosis, type 1. Last evaluated: 2026-05-14. Review status: criteria provided, single submitter. Criteria: LabCorp Variant Classification Summary - May 2015. Collection method: clinical testing. Allele origin: germline.
Comment: Variant summary: NF1 c.1A>G (p.Met1Val) alters the initiation codon and is predicted to result either in absence of the protein or truncation of the encoded protein due to translation initiation at a downstream codon. The variant was absent in 133584 control chromosomes. c.1A>G has been observed in multiple individuals affected with Neurofibromatosis Type 1 (Brinckmann_2007, Ko_2012, sipi_2018, Kang_2020, Fei_2025). These data indicate that the variant is very likely to be associated with disease. To our knowledge, no experimental evidence demonstrating an impact on protein function has been reported. The following publications have been ascertained in the context of this evaluation (PMID: 18041031, 40410838, 31776437, 23668869, 30308447). ClinVar contains an entry for this variant (Variation ID: 404429). Based on the evidence outlined above, the variant was classified as pathogenic.

Labcorp Genetics (formerly Invitae), Labcorp
Classification: Pathogenic for Neurofibromatosis, type 1. Last evaluated: 2026-01-13. Review status: criteria provided, single submitter. Criteria: Invitae Variant Classification Sherloc (09022015). Collection method: clinical testing. Allele origin: germline.
Comment: This sequence change affects the initiator codon of the NF1 mRNA. This change may impact translation initiation or efficiency. The next in-frame methionine is located at codon 68. This variant is not present in population databases (gnomAD no frequency). Disruption of the initiator codon has been observed in individuals with neurofibromatosis type 1 (PMID: 23668869, 23913538). Invitae Evidence Modeling of clinical and family history, age, sex, and reported ancestry of multiple individuals with this NF1 variant has been performed. This variant is expected to be pathogenic with a positive predictive value of at least 99%. This is a validated machine learning model that incorporates the clinical features of 1,785,918 individuals referred to our laboratory for NF1 testing. ClinVar contains an entry for this variant (Variation ID: 404429). For these reasons, this variant has been classified as Pathogenic.

NHS Central & South Genomic Laboratory Hub
Classification: Pathogenic for Neurofibromatosis type 1. Last evaluated: 2025-06-05. Review status: criteria provided, single submitter. Criteria: ACMG Guidelines, 2015. Collection method: clinical testing. Allele origin: germline. Affected: yes.

Ambry Genetics
Classification: Pathogenic for Cardiovascular phenotype; Hereditary cancer-predisposing syndrome. Last evaluated: 2025-03-02. Review status: criteria provided, single submitter. Criteria: Ambry Variant Classification Scheme 2023. Collection method: clinical testing. Allele origin: germline.
Comment: The p.M1? pathogenic mutation (also known as c.1A>G) is located in coding exon 1 of the NF1 gene and results from a A to G substitution at nucleotide position 1. This alters the methionine residue at the initiation codon (ATG). This alteration has been reported in several individuals with a clinical diagnosis of neurofibromatosis type 1 (NF1) (Brinckmann A et al. Electrophoresis, 2007 Dec;28:4295-301; Ko JM et al. Pediatr. Neurol., 2013 Jun;48:447-53; Sabbagh A et al. Hum. Mutat., 2013 Nov;34:1510-8; Tsipi M et al. J Neurol Sci. 2018 Dec 15;395:95-105; Kang E et al. J Hum Genet. 2020 Jan;65(2):79-89). This variant is considered to be rare based on population cohorts in the Genome Aggregation Database (gnomAD). In addition to the clinical data presented in the literature, sequence variations that modify the initiation codon are expected to result in either loss of translation initiation, N-terminal truncation, or cause a shift in the mRNA reading frame. Based on the supporting evidence, this alteration is interpreted as a disease-causing mutation.

Blueprint Genetics
Classification: Pathogenic for NF1-related disorders. Last evaluated: 2024-08-08. Review status: criteria provided, single submitter. Criteria: ACMG Guidelines, 2015. Collection method: clinical testing. Allele origin: de novo. Affected: yes. Observed: 2 variant alleles.

Molecular Pathology, Peter Maccallum Cancer Centre
Classification: Pathogenic for Neurofibromatosis, type 1. Last evaluated: 2024-06-17. Review status: criteria provided, single submitter. Criteria: ACMG Guidelines, 2015. Collection method: clinical testing. Allele origin: germline. Inheritance: Autosomal dominant inheritance.

GeneDx
Classification: Pathogenic. Last evaluated: 2022-10-28. Review status: criteria provided, single submitter. Criteria: GeneDx Variant Classification Process June 2021. Collection method: clinical testing. Allele origin: germline. Affected: yes.
Comment: Initiation codon variant in a gene for which loss-of-function is a known mechanism of disease; Not observed in large population cohorts (gnomAD); This variant is associated with the following publications: (PMID: 30308447, 23668869, 18041031, 23913538, 31776437, 20844836)

Genome-Nilou Lab
Classification: Pathogenic for Neurofibromatosis, type 1. Last evaluated: 2022-03-15. Review status: criteria provided, single submitter. Criteria: ACMG Guidelines, 2015. Collection method: clinical testing. Allele origin: germline. Affected: no.

Pars Genome Lab
Classification: Pathogenic for Neurofibromatosis, type 1. Last evaluated: 2021-06-01. Review status: criteria provided, single submitter. Criteria: ACMG Guidelines, 2015. Collection method: clinical testing. Allele origin: germline. Inheritance: Autosomal dominant inheritance. Affected: yes. Observed: 1 variant allele, 1 heterozygote.

Division of Genomic Medicine, Department of Advanced Medicine, Medical Research Institute, Kanazawa Medical University
Classification: Pathogenic for Neurofibromatosis, type 1. Last evaluated: 2021-02-03. Review status: criteria provided, single submitter. Criteria: ACMG Guidelines, 2015. Collection method: clinical testing. Allele origin: germline. Affected: yes. Observed: 1 variant allele.

Genome Diagnostics Laboratory, The Hospital for Sick Children
Classification: Pathogenic for Neurofibromatosis, type 1. Last evaluated: 2020-10-26. Review status: criteria provided, single submitter. Criteria: ACMG Guidelines, 2015. Collection method: clinical testing. Allele origin: germline. Affected: yes.

Clinical Genetics DNA and cytogenetics Diagnostics Lab, Erasmus MC, Erasmus Medical Center
Classification: Pathogenic. Review status: no assertion criteria provided. Collection method: clinical testing. Allele origin: germline. Affected: yes. Study: VKGL Data-share Consensus. Not counted in ClinVar's aggregate classification.

Joint Genome Diagnostic Labs from Nijmegen and Maastricht, Radboudumc and MUMC+
Classification: Pathogenic. Review status: no assertion criteria provided. Collection method: clinical testing. Allele origin: germline. Affected: yes. Study: VKGL Data-share Consensus. Not counted in ClinVar's aggregate classification.

Literature cited by the submitters: PubMed 18041031 (cited by Women's Health and Genetics/Laboratory Corporation of America, LabCorp and Ambry Genetics); PubMed 23668869 (cited by 3 submitters); PubMed 30308447 (cited by Women's Health and Genetics/Laboratory Corporation of America, LabCorp and Ambry Genetics); PubMed 31776437 (cited by Women's Health and Genetics/Laboratory Corporation of America, LabCorp and Ambry Genetics); PubMed 40410838 (cited by Women's Health and Genetics/Laboratory Corporation of America, LabCorp); PubMed 23913538 (cited by Labcorp Genetics (formerly Invitae), Labcorp and Ambry Genetics).

NM_001042492.3(NF1):c.1A>G (p.Met1Val)

Genes: MIR4733HG (MIR4733 host gene; minus strand), NF1 (neurofibromin 1; plus strand), LOC111811965 (NF1 (neurofibromin 1) promoter region; plus strand). Cytogenetic location: 17q11.2.
Variant type: single nucleotide variant.
Coding change: c.1A>G on transcript NM_001042492.3 (MANE Select); coding-DNA position 1, A replaced by G.
Protein change: p.Met1Val; changes the start codon (methionine 1).
Molecular consequence: missense variant, initiator codon variant. On other transcripts: non-coding transcript variant (1).
Genome position (GRCh38, 1-based): chr17:31,095,310, A>G. VCF-style: chr17-31095310-A-G. GRCh37 (hg19) VCF-style: chr17-29422328-A-G.
Other names: c.1A>G, p.Met1Val (NM_000267.4, NM_001128147.3); short protein forms M1V.
Identifiers: ClinVar variation 404429 (VCV000404429.29), dbSNP rs1060500252, ClinGen allele CA16615129.
Genomic context (GRCh38, chr17:31,095,310, plus strand): 5'-TTCCCGGCCCAGGGCGCCGGCCCACCCTTCCCTCCGCCGCCCCCCGGCCGCGGGGAGGAC[A>G]TGGCCGCGCACAGGCCGGTGGAATGGGTCCAGGCCGTGGTCAGCCGCTTCGACGAGCAGG-3'
Protein context (NP_001035957.1, residues 1-11): [Met1Val]AAHRPVEWVQ